The following is an entry in ClinVar:

ClinVar aggregate classification (germline): Uncertain significance (1 of 4 stars; one submission).

Conditions:
Hereditary diffuse gastric adenocarcinoma (HDGC). Also called: DIFFUSE GASTRIC AND LOBULAR BREAST CANCER SYNDROME. Identifiers: Orphanet 26106, MedGen C1708349, MONDO:0007648, OMIM 137215.

Submission:

Labcorp Genetics (formerly Invitae), Labcorp
Classification: Uncertain significance for Hereditary diffuse gastric adenocarcinoma. Last evaluated: 2020-06-13. Review status: criteria provided, single submitter. Criteria: Invitae Variant Classification Sherloc (09022015). Collection method: clinical testing. Allele origin: germline.
Comment: Algorithms developed to predict the effect of missense changes on protein structure and function are either unavailable or do not agree on the potential impact of this missense change (SIFT: "Deleterious"; PolyPhen-2: "Probably Damaging"; Align-GVGD: "Class C0"). This variant has not been reported in the literature in individuals with CDH1-related conditions. This variant is not present in population databases (ExAC no frequency). This sequence change replaces aspartic acid with glycine at codon 786 of the CDH1 protein (p.Asp786Gly). The aspartic acid residue is highly conserved and there is a moderate physicochemical difference between aspartic acid and glycine. In summary, the available evidence is currently insufficient to determine the role of this variant in disease. Therefore, it has been classified as a Variant of Uncertain Significance.

NM_004360.5(CDH1):c.2357A>G (p.Asp786Gly)

Gene: CDH1 (cadherin 1; plus strand). Cytogenetic location: 16q22.1.
Variant type: single nucleotide variant.
Coding change: c.2357A>G on transcript NM_004360.5 (MANE Select); coding-DNA position 2357, A replaced by G.
Protein change: p.Asp786Gly; replaces aspartic acid 786 with glycine.
Molecular consequence: missense variant.
Genome position (GRCh38, 1-based): chr16:68,829,715, A>G. VCF-style: chr16-68829715-A-G. GRCh37 (hg19) VCF-style: chr16-68863618-A-G.
Other names: c.2174A>G, p.Asp725Gly (NM_001317184.2); c.809A>G, p.Asp270Gly (NM_001317185.2); c.392A>G, p.Asp131Gly (NM_001317186.2); short protein forms D131G, D270G, D725G, D786G.
Identifiers: ClinVar variation 1012125 (VCV001012125.9), dbSNP rs1961428463, ClinGen allele CA396471031.
Genomic context (GRCh38, chr16:68,829,715, plus strand): 5'-ACTTTGACTTGAGCCAGCTGCACAGGGGCCTGGACGCTCGGCCTGAAGTGACTCGTAACG[A>G]CGTTGCACCAACCCTCATGAGTGTCCCCCGGTATCTTCCCCGCCCTGCCAATCCCGATGA-3'
Protein context (NP_004351.1, residues 776-796): LDARPEVTRN[Asp786Gly]VAPTLMSVPR